The following is an entry in ClinVar:

NM_033109.5(PNPT1):c.977-4A>G

Gene: PNPT1 (polyribonucleotide nucleotidyltransferase 1; minus strand). Cytogenetic location: 2p16.1.
Variant type: single nucleotide variant.
Coding change: c.977-4A>G on transcript NM_033109.5 (MANE Select); 4 bases into the intron before coding-DNA position 977, A replaced by G.
Molecular consequence: intron variant.
Genome position (GRCh38, 1-based): chr2:55,667,962, T>C on the plus strand (A>G on the coding strand, the complement: PNPT1 is on the minus strand). VCF-style: chr2-55667962-T-C. GRCh37 (hg19) VCF-style: chr2-55895097-T-C.
Identifiers: ClinVar variation 387764 (VCV000387764.6), dbSNP rs778656630, ClinGen allele CA1668264.

ClinVar aggregate classification (germline): Likely benign. Review status: criteria provided, multiple submitters, no conflicts (2 of 4 stars). 3 submissions from 3 submitters: Likely benign (3). Last evaluated 2025-06-09.

Allele frequency attached by ClinVar (database versions not stated): gnomAD 0.00001; gnomAD exomes 0.00001 and 0.00002; TOPMed 0.00001; ExAC 0.00002.
gnomAD v4.1: 17 of 1,575,832 alleles (0.0011%); highest among the groups gnomAD compares: Middle Eastern, 0.017%; no homozygotes.

Submissions (3):

Labcorp Genetics (formerly Invitae), Labcorp
Classification: Likely benign. Last evaluated: 2025-06-09. Review status: criteria provided, single submitter. Criteria: Invitae Variant Classification Sherloc (09022015). Collection method: clinical testing. Allele origin: germline.

Blueprint Genetics
Classification: Likely benign. Last evaluated: 2023-11-23. Review status: criteria provided, single submitter. Criteria: ACMG Guidelines, 2015. Collection method: clinical testing. Allele origin: germline.

GeneDx
Classification: Likely benign. Last evaluated: 2016-07-29. Review status: criteria provided, single submitter. Criteria: GeneDx Variant Classification (06012015). Collection method: clinical testing. Allele origin: germline. Affected: yes.
Comment: This variant is considered likely benign or benign based on one or more of the following criteria: it is a conservative change, it occurs at a poorly conserved position in the protein, it is predicted to be benign by multiple in silico algorithms, and/or has population frequency not consistent with disease.